The following is an entry in ClinVar:

NM_033100.4(CDHR1):c.311T>C (p.Ile104Thr)

Gene: CDHR1 (cadherin related family member 1; plus strand). Cytogenetic location: 10q23.1.
Variant type: single nucleotide variant.
Coding change: c.311T>C on transcript NM_033100.4 (MANE Select); coding-DNA position 311, T replaced by C.
Protein change: p.Ile104Thr; replaces isoleucine 104 with threonine.
Molecular consequence: missense variant.
Genome position (GRCh38, 1-based): chr10:84,197,799, T>C. VCF-style: chr10-84197799-T-C. GRCh37 (hg19) VCF-style: chr10-85957555-T-C.
Other names: c.311T>C, p.Ile104Thr (NM_001171971.3); c.311T>C (NM_033100.2); short protein forms I104T.
Identifiers: ClinVar variation 1405260 (VCV001405260.6), dbSNP rs1235318623, ClinGen allele CA377370818.

ClinVar aggregate classification (germline): Uncertain significance. Review status: criteria provided, multiple submitters, no conflicts (2 of 4 stars). 2 submissions from 2 submitters: Uncertain significance (2). Last evaluated 2022-08-27.

Conditions:
Inborn genetic diseases. Identifiers: MedGen C0950123, MeSH D030342.

Allele frequency attached by ClinVar (database versions not stated): gnomAD exomes below 0.00001; gnomAD 0.00001.
gnomAD v4.1: 2 of 1,613,898 alleles (0.00012%); highest among the groups gnomAD compares: African/African-American, 0.0013%; no homozygotes.

Submissions (2):

Labcorp Genetics (formerly Invitae), Labcorp
Classification: Uncertain significance. Last evaluated: 2022-08-27. Review status: criteria provided, single submitter. Criteria: Invitae Variant Classification Sherloc (09022015). Collection method: clinical testing. Allele origin: germline.
Comment: This sequence change replaces isoleucine, which is neutral and non-polar, with threonine, which is neutral and polar, at codon 104 of the CDHR1 protein (p.Ile104Thr). The frequency data for this variant in the population databases is considered unreliable, as metrics indicate poor data quality at this position in the gnomAD database. This variant has not been reported in the literature in individuals affected with CDHR1-related conditions. ClinVar contains an entry for this variant (Variation ID: 1405260). Advanced modeling of protein sequence and biophysical properties (such as structural, functional, and spatial information, amino acid conservation, physicochemical variation, residue mobility, and thermodynamic stability) performed at Invitae indicates that this missense variant is not expected to disrupt CDHR1 protein function. In summary, the available evidence is currently insufficient to determine the role of this variant in disease. Therefore, it has been classified as a Variant of Uncertain Significance.

Ambry Genetics
Classification: Uncertain significance for Inborn genetic diseases. Last evaluated: 2021-12-13. Review status: criteria provided, single submitter. Criteria: Ambry Variant Classification Scheme 2023. Collection method: clinical testing. Allele origin: germline.